The following is an entry in ClinVar:

NM_001365536.1(SCN9A):c.3352A>C (p.Arg1118=)

Genes: SCN9A (sodium voltage-gated channel alpha subunit 9; minus strand), SCN1A-AS1 (SCN1A and SCN9A antisense RNA 1; plus strand). Cytogenetic location: 2q24.3.
Variant type: single nucleotide variant.
Coding change: c.3352A>C on transcript NM_001365536.1 (MANE Select); coding-DNA position 3352, A replaced by C.
Protein change: p.Arg1118=; no amino-acid change (arginine 1118 retained).
Molecular consequence: synonymous variant. On other transcripts: non-coding transcript variant (1).
Genome position (GRCh38, 1-based): chr2:166,251,885, T>G on the plus strand (A>C on the coding strand, the complement: SCN9A is on the minus strand). VCF-style: chr2-166251885-T-G. GRCh37 (hg19) VCF-style: chr2-167108395-T-G.
Other names: c.3319A>C, p.Arg1107= (NM_002977.4).
Identifiers: ClinVar variation 1910982 (VCV001910982.5), dbSNP rs1553483568, ClinGen allele CA429902581.

ClinVar aggregate classification (germline): Uncertain significance (1 of 4 stars; one submission).

Conditions:
Neuropathy, hereditary sensory and autonomic, type 2A (HSAN2A). Also called: ACROOSTEOLYSIS, GIACCAI TYPE; ACROOSTEOLYSIS, NEUROGENIC; WNK1-Related HSAN2 (HSAN2A); MORVAN DISEASE; NEUROPATHY, CONGENITAL SENSORY; NEUROPATHY, HEREDITARY SENSORY RADICULAR, AUTOSOMAL RECESSIVE. Identifiers: Orphanet 970, MedGen C2752089, MONDO:0024309, OMIM 201300.
Generalized epilepsy with febrile seizures plus, type 7 (GEFSP7). Also called: GEFS+, TYPE 7. Identifiers: Orphanet 36387, MedGen C2751778, MONDO:0013470, OMIM 613863.

Allele frequency attached by ClinVar (database versions not stated): gnomAD exomes below 0.00001.
gnomAD v4.1: 1 of 1,612,092 alleles (0.000062%); highest among the groups gnomAD compares: Non-Finnish European, 0.000085%; no homozygotes.

Submission:

Labcorp Genetics (formerly Invitae), Labcorp
Classification: Uncertain significance for Neuropathy, hereditary sensory and autonomic, type 2A; Generalized epilepsy with febrile seizures plus, type 7. Last evaluated: 2022-07-13. Review status: criteria provided, single submitter. Criteria: Invitae Variant Classification Sherloc (09022015). Collection method: clinical testing. Allele origin: germline.
Comment: In summary, the available evidence is currently insufficient to determine the role of this variant in disease. Therefore, it has been classified as a Variant of Uncertain Significance. Algorithms developed to predict the effect of sequence changes on RNA splicing suggest that this variant is not likely to affect RNA splicing. This variant has not been reported in the literature in individuals affected with SCN9A-related conditions. This variant is not present in population databases (gnomAD no frequency). This sequence change affects codon 1107 of the SCN9A mRNA. It is a 'silent' change, meaning that it does not change the encoded amino acid sequence of the SCN9A protein. It affects a nucleotide within the consensus splice site.